The following is an entry in ClinVar:

NM_004999.4(MYO6):c.3333G>A (p.Val1111=)

Gene: MYO6 (myosin VI; plus strand). Cytogenetic location: 6q14.1.
Variant type: single nucleotide variant.
Coding change: c.3333G>A on transcript NM_004999.4 (MANE Select); coding-DNA position 3333, G replaced by A.
Protein change: p.Val1111=; no amino-acid change (valine 1111 retained).
Molecular consequence: synonymous variant. On other transcripts: non-coding transcript variant (1).
Genome position (GRCh38, 1-based): chr6:75,908,548, G>A. VCF-style: chr6-75908548-G-A. GRCh37 (hg19) VCF-style: chr6-76618265-G-A.
Other names: c.3264G>A, p.Val1088= (NM_001300899.2, NM_001368136.1); c.3321G>A, p.Val1107= (NM_001368137.1); c.3249G>A, p.Val1083= (NM_001368138.1); c.3360G>A, p.Val1120= (NM_001368865.1, NM_001368866.1).
Identifiers: ClinVar variation 45155 (VCV000045155.21), dbSNP rs114970874, ClinGen allele CA135627.

ClinVar aggregate classification (germline): Conflicting classifications of pathogenicity. Review status: criteria provided, conflicting classifications (1 of 4 stars). 6 submissions from 5 submitters: Uncertain significance (1); Benign (4); Likely benign (1). Last evaluated 2026-01-27.

Conditions:
Autosomal recessive nonsyndromic hearing loss 37. Identifiers: Orphanet 90636, MedGen C1843028, MONDO:0011912, OMIM 607821.
Autosomal dominant nonsyndromic hearing loss 22. Also called: DFNA 22; Autosomal dominant nonsyndromic deafness 22. Identifiers: Orphanet 228012, MedGen C2931767, MONDO:0011660, OMIM 606346.

Allele frequency attached by ClinVar (database versions not stated): gnomAD exomes 0.00041 and 0.00125; ExAC 0.00161; gnomAD 0.00471 and 0.00506; ESP Exome Variant Server 0.00523; TOPMed 0.00536; 1000 Genomes Project 0.00679; 1000 Genomes Project 30x 0.00703.
gnomAD v4.1: 1,339 of 1,613,432 alleles (0.083%); highest among the groups gnomAD compares: African/African-American, 1.6%; 13 homozygotes.

Submissions (6):

Labcorp Genetics (formerly Invitae), Labcorp
Classification: Benign. Last evaluated: 2026-01-27. Review status: criteria provided, single submitter. Criteria: Invitae Variant Classification Sherloc (09022015). Collection method: clinical testing. Allele origin: germline.

Blueprint Genetics
Classification: Likely benign. Last evaluated: 2024-11-04. Review status: criteria provided, single submitter. Criteria: ACMG Guidelines, 2015. Collection method: clinical testing. Allele origin: germline.

GeneDx
Classification: Benign. Last evaluated: 2020-08-10. Review status: criteria provided, single submitter. Criteria: GeneDx Variant Classification Process June 2021. Collection method: clinical testing. Allele origin: germline. Affected: yes.

Illumina Laboratory Services, Illumina
Classification: Uncertain significance for Autosomal recessive nonsyndromic hearing loss 37. Last evaluated: 2018-01-13. Review status: criteria provided, single submitter. Criteria: ICSL Variant Classification Criteria 13 December 2019. Collection method: clinical testing. Allele origin: germline.

Illumina Laboratory Services, Illumina
Classification: Benign for Autosomal dominant nonsyndromic hearing loss 22. Last evaluated: 2018-01-13. Review status: criteria provided, single submitter. Criteria: ICSL Variant Classification Criteria 13 December 2019. Collection method: clinical testing. Allele origin: germline.
Comment: This variant was observed in the ICSL laboratory as part of a predisposition screen in an ostensibly healthy population. It had not been previously curated by ICSL or reported in the Human Gene Mutation Database (HGMD: prior to June 1st, 2018), and was therefore a candidate for classification through an automated scoring system. Utilizing variant allele frequency, disease prevalence and penetrance estimates, and inheritance mode, an automated score was calculated to assess if this variant is too frequent to cause the disease. Based on the score and internal cut-off values, a variant classified as benign is not then subjected to further curation. The score for this variant resulted in a classification of benign for this disease.

Laboratory for Molecular Medicine, Mass General Brigham Personalized Medicine
Classification: Benign. Last evaluated: 2012-05-14. Review status: criteria provided, single submitter. Criteria: LMM Criteria. Collection method: clinical testing. Allele origin: germline. Observed: 5 variant alleles.
Comment: Val1111Val in Exon 32 of MYO6: This variant is not expected to have clinical sig nificance because it does not alter an amino acid residue, is not located within the splice consensus sequence, and has been identified in 1.7% (65/3738) of Afr ican American chromosomes from a broad population by the NHLBI Exome Sequencing Project (dbSNP rs114970874).